The following is an entry in ClinVar:

NM_139276.3(STAT3):c.14A>G (p.Asn5Ser)

Gene: STAT3 (signal transducer and activator of transcription 3; minus strand). Cytogenetic location: 17q21.2.
Variant type: single nucleotide variant.
Coding change: c.14A>G on transcript NM_139276.3 (MANE Select); coding-DNA position 14, A replaced by G.
Protein change: p.Asn5Ser; replaces asparagine 5 with serine.
Molecular consequence: missense variant.
Genome position (GRCh38, 1-based): chr17:42,348,503, T>C on the plus strand (A>G on the coding strand, the complement: STAT3 is on the minus strand). VCF-style: chr17-42348503-T-C. GRCh37 (hg19) VCF-style: chr17-40500521-T-C.
Other names: p.Asn5Ser; c.14A>G, p.Asn5Ser (NM_001369512.1, NM_001369513.1, NM_001369514.1 and 17 more transcripts); short protein forms N5S.
Identifiers: ClinVar variation 2190598 (VCV002190598.6), dbSNP rs1041081083, ClinGen allele CA290747772.
Genomic context (GRCh38, chr17:42,348,503, plus strand): 5'-CTGTCACTGTAGAGCTGATGGAGCTGCTCCAGGTACCGTGTGTCAAGCTGCTGTAGCTGA[T>C]TCCATTGGGCCATCCTGCTAAAATCAGGGGTCCCAACTGTAAACCAAAGTGTGCATATGT-3'
Protein context (NP_644805.1, residues 1-15): MAQW[Asn5Ser]QLQQLDTRYL

ClinVar aggregate classification (germline): Conflicting classifications of pathogenicity. Review status: criteria provided, conflicting classifications (1 of 4 stars). 3 submissions from 3 submitters: Uncertain significance (2); Likely benign (1). Last evaluated 2026-02-24.

Conditions:
Hyper-IgE recurrent infection syndrome 1, autosomal dominant. Also called: JOB SYNDROME; Job's Syndrome; STAT3 Hyper IgE Syndrome; Hyper-IgE recurrent infection syndrome 1; HYPER-IgE SYNDROME 1, AUTOSOMAL DOMINANT, WITH RECURRENT INFECTIONS. Identifiers: Orphanet 2314, MedGen C2936739, MONDO:0007818, OMIM 147060.
STAT3 gain of function. Identifiers: MedGen C4288261.

Allele frequency attached by ClinVar (database versions not stated): gnomAD 0.00001; gnomAD exomes 0.00001; TOPMed 0.00001.
gnomAD v4.1: 4 of 1,613,624 alleles (0.00025%); highest among the groups gnomAD compares: Non-Finnish European, 0.00034%; no homozygotes.

Submissions (3):

GeneDx
Classification: Uncertain significance. Last evaluated: 2026-02-24. Review status: criteria provided, single submitter. Criteria: GeneDx Variant Classification Process June 2021. Collection method: clinical testing. Allele origin: germline.
Comment: Not observed at significant frequency in large population cohorts (gnomAD); In silico analysis suggests that this missense variant does not alter protein structure/function; Has not been previously published as pathogenic or benign to our knowledge; This variant is associated with the following publications: (PMID: 17676033, 18602572, 41327031)

Labcorp Genetics (formerly Invitae), Labcorp
Classification: Likely benign for STAT3 gain of function; Hyper-IgE recurrent infection syndrome 1, autosomal dominant. Last evaluated: 2024-11-27. Review status: criteria provided, single submitter. Criteria: Invitae Variant Classification Sherloc (09022015). Collection method: clinical testing. Allele origin: germline.

Mayo Clinic Laboratories, Mayo Clinic
Classification: Uncertain significance. Last evaluated: 2024-03-25. Review status: criteria provided, single submitter. Criteria: ACMG Guidelines, 2015. Collection method: clinical testing. Allele origin: germline. Observed: 2 variant alleles.
Comment: BP4, PP2